The following is an entry in ClinVar:

ClinVar aggregate classification (germline): Uncertain significance (1 of 4 stars; one submission).

Conditions:
Congenital myasthenic syndrome 12 (CMS12). Also called: MYASTHENIC SYNDROME, CONGENITAL, WITH TUBULAR AGGREGATES 1; Myasthenia, congenital, 12, with tubular aggregates. Identifiers: Orphanet 353327, Orphanet 590, MedGen C3552335, MONDO:0012518, OMIM 610542.

Allele frequency attached by ClinVar (database versions not stated): gnomAD exomes below 0.00001.
gnomAD v4.1: 1 of 1,614,114 alleles (0.000062%); highest among the groups gnomAD compares: Admixed American, 0.0017%; no homozygotes.

Submission:

Labcorp Genetics (formerly Invitae), Labcorp
Classification: Uncertain significance for Congenital myasthenic syndrome 12. Last evaluated: 2022-06-14. Review status: criteria provided, single submitter. Criteria: Invitae Variant Classification Sherloc (09022015). Collection method: clinical testing. Allele origin: germline.
Comment: This sequence change replaces glutamic acid, which is acidic and polar, with glycine, which is neutral and non-polar, at codon 641 of the GFPT1 protein (p.Glu641Gly). This variant is not present in population databases (gnomAD no frequency). This variant has not been reported in the literature in individuals affected with GFPT1-related conditions. ClinVar contains an entry for this variant (Variation ID: 853426). Algorithms developed to predict the effect of missense changes on protein structure and function (SIFT, PolyPhen-2, Align-GVGD) all suggest that this variant is likely to be tolerated. In summary, the available evidence is currently insufficient to determine the role of this variant in disease. Therefore, it has been classified as a Variant of Uncertain Significance.

NM_001244710.2(GFPT1):c.1922A>G (p.Glu641Gly)

Gene: GFPT1 (glutamine--fructose-6-phosphate transaminase 1; minus strand). Cytogenetic location: 2p13.3.
Variant type: single nucleotide variant.
Coding change: c.1922A>G on transcript NM_001244710.2 (MANE Select); coding-DNA position 1922, A replaced by G.
Protein change: p.Glu641Gly; replaces glutamic acid 641 with glycine.
Molecular consequence: missense variant.
Genome position (GRCh38, 1-based): chr2:69,327,047, T>C on the plus strand (A>G on the coding strand, the complement: GFPT1 is on the minus strand). VCF-style: chr2-69327047-T-C. GRCh37 (hg19) VCF-style: chr2-69554179-T-C.
Other names: c.1868A>G, p.Glu623Gly (NM_002056.4); short protein forms E641G, E623G.
Identifiers: ClinVar variation 853426 (VCV000853426.7), dbSNP rs1670547736, ClinGen allele CA347421678.
Genomic context (GRCh38, chr2:69,327,047, plus strand): 5'-CAGTCCACTGAGTGGGGCACCTTGATCGTTCTTTTTGTGTTCTTAATGGTCTCAGTATCC[T>C]CCTTATCACAAATTACCACAGGCCGCCCCTAGGAAAGAAAATCACACACATACACAACAT-3'
Protein context (NP_001231639.1, residues 631-651): QGRPVVICDK[Glu641Gly]DTETIKNTKR